The following is an entry in ClinVar:

ClinVar aggregate classification (germline): Uncertain significance. Review status: criteria provided, multiple submitters, no conflicts (2 of 4 stars). 2 submissions from 2 submitters: Uncertain significance (2). Last evaluated 2025-04-24.

Conditions:
Paget disease of bone 2, early-onset (PDB2). Also called: Paget disease of bone 2. Identifiers: MedGen C4085251, MONDO:0011183, OMIM 602080.
Frontotemporal dementia and/or amyotrophic lateral sclerosis 1 (FTDALS1). Also called: Frontotemporal dementia with motor neuron disease 1; C9orf72 Frontotemporal Dementia and/or Amyotrophic Lateral Sclerosis. Identifiers: Orphanet 275872, MedGen C5779877, MONDO:0007105, OMIM 105550.
SQSTM1-related disorder. Also called: SQSTM1-Related Disorders.

Allele frequency attached by ClinVar (database versions not stated): gnomAD exomes below 0.00001; TOPMed below 0.00001.
gnomAD v4.1: 2 of 1,614,200 alleles (0.00012%); highest among the groups gnomAD compares: Admixed American, 0.0017%; no homozygotes.

Submissions (2):

Labcorp Genetics (formerly Invitae), Labcorp
Classification: Uncertain significance for Paget disease of bone 2, early-onset; Frontotemporal dementia and/or amyotrophic lateral sclerosis 1. Last evaluated: 2025-04-24. Review status: criteria provided, single submitter. Criteria: Invitae Variant Classification Sherloc (09022015). Collection method: clinical testing. Allele origin: germline.
Comment: This sequence change replaces glutamine, which is neutral and polar, with histidine, which is basic and polar, at codon 418 of the SQSTM1 protein (p.Gln418His). This variant is not present in population databases (gnomAD no frequency). This variant has not been reported in the literature in individuals affected with SQSTM1-related conditions. ClinVar contains an entry for this variant (Variation ID: 1978925). Invitae Evidence Modeling of protein sequence and biophysical properties (such as structural, functional, and spatial information, amino acid conservation, physicochemical variation, residue mobility, and thermodynamic stability) indicates that this missense variant is not expected to disrupt SQSTM1 protein function with a negative predictive value of 80%. In summary, the available evidence is currently insufficient to determine the role of this variant in disease. Therefore, it has been classified as a Variant of Uncertain Significance.

PreventionGenetics, part of Exact Sciences
Classification: Uncertain significance for SQSTM1-related condition. Last evaluated: 2022-12-15. Review status: criteria provided, single submitter. Criteria: ACMG Guidelines, 2015. Collection method: clinical testing. Allele origin: germline.
Comment: The SQSTM1 c.1254G>C variant is predicted to result in the amino acid substitution p.Gln418His. To our knowledge, this variant has not been reported in the literature or in a large population database, indicating this variant is rare. At this time, the clinical significance of this variant is uncertain due to the absence of conclusive functional and genetic evidence.

NM_003900.5(SQSTM1):c.1254G>C (p.Gln418His)

Gene: SQSTM1 (sequestosome 1; plus strand). Cytogenetic location: 5q35.3.
Variant type: single nucleotide variant.
Coding change: c.1254G>C on transcript NM_003900.5 (MANE Select); coding-DNA position 1254, G replaced by C.
Protein change: p.Gln418His; replaces glutamine 418 with histidine.
Molecular consequence: missense variant.
Genome position (GRCh38, 1-based): chr5:179,836,524, G>C. VCF-style: chr5-179836524-G-C. GRCh37 (hg19) VCF-style: chr5-179263524-G-C.
Other names: c.1254G>C (NM_003900.4); c.1002G>C, p.Gln334His (NM_001142298.2, NM_001142299.2); short protein forms Q334H, Q418H.
Identifiers: ClinVar variation 1978925 (VCV001978925.5), dbSNP rs1758564233, ClinGen allele CA362454074.